The following is an entry in ClinVar:

NM_002016.2(FLG):c.6950_6957del (p.Ala2316_Ser2317insTer)

Genes: CCDST (cervical cancer associated DHX9 suppressive transcript; plus strand), FLG (filaggrin; minus strand). Cytogenetic location: 1q21.3.
Variant type: Deletion.
Coding change: c.6950_6957del on transcript NM_002016.2 (MANE Select); coding-DNA positions 6950 to 6957, 8 bases deleted (CATCCCAT; older notation c.6950_6957delCATCCCAT).
Protein change: p.Ala2316_Ser2317insTer.
Molecular consequence: nonsense.
Genome position (GRCh38, 1-based): chr1:152,307,929-152,307,936, ATGGGATG deleted on the plus strand (CATCCCAT on the coding strand, the reverse complement: FLG is on the minus strand); deleting any 8 consecutive bases within chr1:152,307,929-152,307,939 gives the same sequence; the c. name uses the placement nearest the transcript's 3' end. VCF-style (leftmost placement, unchanged base first): chr1-152307928-CATGGGATG-C. GRCh37 (hg19) VCF-style: chr1-152280404-CATGGGATG-C.
Other names: c.6950_6957del (NM_002016.1); c.6950_6957delCATCCCAT (NM_002016.1).
Identifiers: ClinVar variation 419605 (VCV000419605.22), dbSNP rs578184315, ClinGen allele CA1104960.
Genomic context (GRCh38, chr1:152,307,928, plus strand): 5'-TGTCTGCTGACTGCTGGTGGTGGGATCCGTGTCTCTCTCCTGCACTTGATCTTGCCTGTT[CATGGGATG>C]ATGCAGCCTGTCCACCAGAGGAATTCTCTGCATGATGAGTGCCTGATTGTCTGGAGCTCT-3'

ClinVar aggregate classification (germline): Pathogenic/Likely pathogenic. Review status: criteria provided, multiple submitters, no conflicts (2 of 4 stars). 12 submissions from 12 submitters: Pathogenic (4); Likely pathogenic (7). 1 of the submissions does not count toward it. Last evaluated 2025-09-24.

Conditions:
Ichthyosis vulgaris. Also called: ICHTHYOSIS SIMPLEX; Dominant ichthyosis vulgaris. Identifiers: MedGen C0079584, MONDO:0024304, OMIM 146700.
FLG-related disorder. Also called: FLG-related disorders; FLG-related condition.
Dermatitis, atopic, 2. Identifiers: MedGen C1853965, MONDO:0011596, OMIM 605803.

Submissions (12):

Genesolutions, Medical Genetics Institutes, Ho Chi Minh City, Vietnam
Classification: Pathogenic for Ichthyosis vulgaris. Last evaluated: 2025-09-24. Review status: criteria provided, single submitter. Criteria: ACMG Guidelines, 2015. Collection method: clinical testing. Allele origin: germline. Affected: yes.

GeneDx
Classification: Pathogenic. Last evaluated: 2025-04-22. Review status: criteria provided, single submitter. Criteria: GeneDx Variant Classification Process June 2021. Collection method: clinical testing. Allele origin: germline. Affected: yes.
Comment: Observed in the heterozygous or homozygous state in multiple individuals with atopic dermatitis tested at GeneDx and reported in the published literature (PMID: 21039602, 29056476); Nonsense variant predicted to result in protein truncation, as the last 1745 amino acids are lost, and other loss-of-function variants have been reported downstream; This variant is associated with the following publications: (PMID: 29056476, 37200867, 21039602, 38695247, 36716921)

Victorian Clinical Genetics Services, Murdoch Childrens Research Institute
Classification: Pathogenic for Ichthyosis vulgaris. Last evaluated: 2024-10-11. Review status: criteria provided, single submitter. Criteria: ACMG Guidelines, 2015. Collection method: clinical testing. Allele origin: germline. Affected: yes.
Comment: Based on the classification scheme VCGS_Germline_v1.3.5, this variant is classified as Pathogenic. Following criteria are met: 0102 - Loss of function is a known mechanism of disease in this gene and is associated with ichthyosis vulgaris (MIM#146700). (I) 0108 - This gene is associated with both recessive and dominant disease. Biallelic truncating variants tend to result in a more severe condition (PMIDs: 17291859, 30681730). (I) 0112 - The condition associated with this gene has incomplete penetrance. Heterozygous carriers are more likely to be asymptomatic than individuals with biallelic mutations (PMIDs: 17291859, 30681730). (I) 0204 - Variant is predicted to result in a truncated protein (premature termination codon is NOT located at least 54 nucleotides upstream of the final exon-exon junction) with at least 1/3 of the protein sequence affected (DECIPHER). (SP) 0251 - This variant is heterozygous. (I) 0304 - Variant is present in gnomAD (v4) <0.01 (92 heterozygotes, 0 homozygotes). (SP) 0600 - Variant causing truncation results in the loss of downstream annotated filaggrin repeats (DECIPHER). (I) 0701 - Other NMD-escape truncation variants comparable to the one identified in this case have very strong previous evidence for pathogenicity (DECIPHER). (SP) 0801 - This variant has strong previous evidence of pathogenicity in unrelated individuals. This variant is reported in ClinVar twice as pathogenic and five times as likely pathogenic by clinical laboratories. (SP) 1208 - Inheritance information for this variant is not currently available in this individual. (I) Legend: (SP) - Supporting pathogenic, (I) - Information, (SB) - Supporting benign

3billion
Classification: Likely pathogenic for Ichthyosis vulgaris. Last evaluated: 2023-07-07. Review status: criteria provided, single submitter. Criteria: ACMG Guidelines, 2015. Collection method: clinical testing. Allele origin: germline. Affected: yes.
Comment: The variant is observed at an extremely low frequency in the gnomAD v2.1.1 dataset (total allele frequency: 0.021%). Predicted Consequence/Location: Stop-gained (nonsense): predicted to result in a loss or disruption of normal protein function through protein truncation. The predicted truncated protein may be shortened by more than 10%. The variant has been reported at least twice as pathogenic without evidence for the classification (ClinVar ID: VCV000419605 /PMID: 21039602 /3billion dataset). Therefore, this variant is classified as Likely pathogenic according to the recommendation of ACMG/AMP guideline.

Greenwood Genetic Center Diagnostic Laboratories, Greenwood Genetic Center
Classification: Likely pathogenic for Ichthyosis vulgaris. Last evaluated: 2023-06-15. Review status: criteria provided, single submitter. Criteria: ACMG Guidelines, 2015. Collection method: clinical testing. Allele origin: germline. Affected: yes.
Comment: PVS1, PM2

Genome-Nilou Lab
Classification: Likely pathogenic for Ichthyosis vulgaris. Last evaluated: 2023-04-11. Review status: criteria provided, single submitter. Criteria: ACMG Guidelines, 2015. Collection method: clinical testing. Allele origin: germline. Affected: no.

Blueprint Genetics
Classification: Likely pathogenic for FLG-related disorders. Last evaluated: 2023-03-09. Review status: criteria provided, single submitter. Criteria: ACMG Guidelines, 2015. Collection method: clinical testing. Allele origin: germline. Affected: yes. Observed: 5 variant alleles.

Clinical Genomics Laboratory, Stanford Medicine
Classification: Likely pathogenic for Dermatitis, atopic, 2; Ichthyosis vulgaris. Last evaluated: 2022-07-22. Review status: criteria provided, single submitter. Criteria: ACMG Guidelines, 2015. Collection method: clinical testing. Allele origin: maternal. Inheritance: Autosomal unknown. Observed: 1 variant allele, 1 heterozygote.
Comment: The p.Ser2317* variant has been reported in an individual with atopic dermatitis (Zhang et al. 2011).

Mendelics
Classification: Pathogenic for Ichthyosis vulgaris. Last evaluated: 2022-05-04. Review status: criteria provided, single submitter. Criteria: Mendelics Assertion Criteria 2019. Collection method: clinical testing. Allele origin: germline.

Fulgent Genetics
Classification: Likely pathogenic for Ichthyosis vulgaris; Dermatitis, atopic, 2. Last evaluated: 2022-01-18. Review status: criteria provided, single submitter. Criteria: ACMG Guidelines, 2015. Collection method: clinical testing. Allele origin: unknown.

Juno Genomics, Hangzhou Juno Genomics, Inc
Classification: Likely pathogenic for Dermatitis, atopic, 2; Ichthyosis vulgaris. Review status: criteria provided, single submitter. Criteria: ACMG Guidelines, 2015. Collection method: clinical testing. Allele origin: germline.
Comment: Null variant in a gene where loss of function (LOF) is a known mechanism of disease.;The prevalence of the variant in affected individuals is significantly increased compared to the prevalence in controls.;Patient's phenotype or family history is highly specific for a disease with a single genetic etiology.

Department of Pathology and Laboratory Medicine, Sinai Health System
Classification: Likely pathogenic. Review status: no assertion criteria provided. Collection method: clinical testing. Allele origin: unknown. Affected: yes. Study: The Canadian Open Genetics Repository (COGR). Not counted in ClinVar's aggregate classification.
Comment: The FLG p.S2317* variant has been reported in multiple individuals with ichthyosis vulgaris and/or atopic dermatitis (Wong_2018_PMID:29056476; Zhang_2011_PMID:21039602). The variant was identified in dbSNP (ID: rs578184315) and ClinVar (classified as pathogenic by GeneDx). The variant was identified in control databases in 60 of 282722 chromosomes at a frequency of 0.0002122, and was observed at the highest frequency in the East Asian population in 59 of 19906 chromosomes (freq: 0.002964) (Genome Aggregation Database March 6, 2019, v2.1.1). The c.6950_6957delCATCCCAT variant leads to a premature stop codon at position 2317 which is predicted to lead to a truncated or absent protein and loss of function. Loss of function variants of the FLG gene are an established mechanism of disease in ichthyosis vulgaris and are the type of variant expected to cause the disorder. In summary, based on the above information the clinical significance of this variant cannot be determined with certainty at this time although we would lean towards a more pathogenic role for this variant. This variant is classified as likely pathogenic.

Literature cited by the submitters: PubMed 17291859 (cited by Victorian Clinical Genetics Services, Murdoch Childrens Research Institute); PubMed 30681730 (cited by Victorian Clinical Genetics Services, Murdoch Childrens Research Institute); PubMed 21039602 (cited by 3billion and Clinical Genomics Laboratory, Stanford Medicine).